The following is an entry in ClinVar:

NM_020461.4(TUBGCP6):c.4202G>A (p.Gly1401Asp)

Gene: TUBGCP6 (tubulin gamma complex component 6; minus strand). Cytogenetic location: 22q13.33.
Variant type: single nucleotide variant.
Coding change: c.4202G>A on transcript NM_020461.4 (MANE Select); coding-DNA position 4202, G replaced by A.
Protein change: p.Gly1401Asp; replaces glycine 1401 with aspartic acid.
Molecular consequence: missense variant.
Genome position (GRCh38, 1-based): chr22:50,219,757, C>T on the plus strand (G>A on the coding strand, the complement: TUBGCP6 is on the minus strand). VCF-style: chr22-50219757-C-T. GRCh37 (hg19) VCF-style: chr22-50658186-C-T.
Other names: short protein forms G1401D.
Identifiers: ClinVar variation 1700302 (VCV001700302.2), dbSNP rs2147175372, ClinGen allele CA412175789.

ClinVar aggregate classification (germline): Uncertain significance (1 of 4 stars; one submission).

Submission:

GeneDx
Classification: Uncertain significance. Last evaluated: 2022-02-03. Review status: criteria provided, single submitter. Criteria: GeneDx Variant Classification Process June 2021. Collection method: clinical testing. Allele origin: germline. Affected: yes.
Comment: Not observed at significant frequency in large population cohorts (gnomAD); In silico analysis supports that this missense variant does not alter protein structure/function; Has not been previously published as pathogenic or benign to our knowledge